The following is an entry in ClinVar:

NM_001655.5(ARCN1):c.1257G>A (p.Ala419=)

Gene: ARCN1 (archain 1 coat protein complex I subunit delta; plus strand). Cytogenetic location: 11q23.3.
Variant type: single nucleotide variant.
Coding change: c.1257G>A on transcript NM_001655.5 (MANE Select); coding-DNA position 1257, G replaced by A.
Protein change: p.Ala419=; no amino-acid change (alanine 419 retained).
Molecular consequence: synonymous variant.
Genome position (GRCh38, 1-based): chr11:118,597,722, G>A. VCF-style: chr11-118597722-G-A. GRCh37 (hg19) VCF-style: chr11-118468437-G-A.
Other names: c.993G>A, p.Ala331= (NM_001142281.2).
Identifiers: ClinVar variation 1648825 (VCV001648825.10), dbSNP rs782706299, ClinGen allele CA6306270.

ClinVar aggregate classification (germline): Benign/Likely benign. Review status: criteria provided, multiple submitters, no conflicts (2 of 4 stars). 2 submissions from 2 submitters: Benign (1); Likely benign (1). Last evaluated 2026-06-01.

Allele frequency attached by ClinVar (database versions not stated): gnomAD 0.00002 and 0.00004; gnomAD exomes 0.00004 and 0.00018; TOPMed 0.00012; ExAC 0.00016.
gnomAD v4.1: 58 of 1,613,978 alleles (0.0036%); highest among the groups gnomAD compares: Admixed American, 0.085%; no homozygotes.

Submissions (2):

CeGaT Center for Human Genetics Tuebingen
Classification: Likely benign. Last evaluated: 2026-06-01. Review status: criteria provided, single submitter. Criteria: CeGaT Center For Human Genetics Tuebingen Variant Classification Criteria Version 2. Collection method: clinical testing. Allele origin: germline. Affected: yes. Observed: 1 variant allele.
Comment: ARCN1: BP4, BP7

Labcorp Genetics (formerly Invitae), Labcorp
Classification: Benign. Last evaluated: 2025-12-27. Review status: criteria provided, single submitter. Criteria: Invitae Variant Classification Sherloc (09022015). Collection method: clinical testing. Allele origin: germline.